The following is an entry in ClinVar:

NM_002900.3(RBP3):c.1487T>A (p.Phe496Tyr)

Gene: RBP3 (retinol binding protein 3; plus strand). Cytogenetic location: 10q11.22.
Variant type: single nucleotide variant.
Coding change: c.1487T>A on transcript NM_002900.3 (MANE Select); coding-DNA position 1487, T replaced by A.
Protein change: p.Phe496Tyr; replaces phenylalanine 496 with tyrosine.
Molecular consequence: missense variant.
Genome position (GRCh38, 1-based): chr10:47,349,971, T>A. VCF-style: chr10-47349971-T-A. GRCh37 (hg19) VCF-style: chr10-48389391-A-T.
Other names: short protein forms F496Y.
Identifiers: ClinVar variation 2082818 (VCV002082818.4), dbSNP rs2549028630, ClinGen allele CA376669999.

ClinVar aggregate classification (germline): Uncertain significance (1 of 4 stars; one submission).

Submission:

Labcorp Genetics (formerly Invitae), Labcorp
Classification: Uncertain significance. Last evaluated: 2022-03-04. Review status: criteria provided, single submitter. Criteria: Invitae Variant Classification Sherloc (09022015). Collection method: clinical testing. Allele origin: germline.
Comment: Algorithms developed to predict the effect of missense changes on protein structure and function are either unavailable or do not agree on the potential impact of this missense change (SIFT: "Deleterious"; PolyPhen-2: "Possibly Damaging"; Align-GVGD: "Class C0"). In summary, the available evidence is currently insufficient to determine the role of this variant in disease. Therefore, it has been classified as a Variant of Uncertain Significance. This variant has not been reported in the literature in individuals affected with RBP3-related conditions. This sequence change replaces phenylalanine, which is neutral and non-polar, with tyrosine, which is neutral and polar, at codon 496 of the RBP3 protein (p.Phe496Tyr). This variant is not present in population databases (gnomAD no frequency).